The following is an entry in ClinVar:

NM_000038.6(APC):c.3341G>T (p.Arg1114Leu)

Gene: APC (APC regulator of Wnt signaling pathway; plus strand). Cytogenetic location: 5q22.2.
Variant type: single nucleotide variant.
Coding change: c.3341G>T on transcript NM_000038.6 (MANE Select); coding-DNA position 3341, G replaced by T.
Protein change: p.Arg1114Leu; replaces arginine 1114 with leucine.
Molecular consequence: missense variant.
Genome position (GRCh38, 1-based): chr5:112,838,935, G>T. VCF-style: chr5-112838935-G-T. GRCh37 (hg19) VCF-style: chr5-112174632-G-T.
Other names: c.3341G>T, p.Arg1114Leu (NM_001127510.3, NM_001354895.2); c.3287G>T, p.Arg1096Leu (NM_001127511.3); c.3395G>T, p.Arg1132Leu (NM_001354896.2); c.3371G>T, p.Arg1124Leu (NM_001354897.2); c.3266G>T, p.Arg1089Leu (NM_001354898.2); c.3257G>T, p.Arg1086Leu (NM_001354899.2); c.3218G>T, p.Arg1073Leu (NM_001354900.2); c.3164G>T, p.Arg1055Leu (NM_001354901.2); and 5 more; short protein forms R1013L, R1023L, R1055L, R1073L, R1086L, R1089L, R1096L, R1114L.
Identifiers: ClinVar variation 1692106 (VCV001692106.5), dbSNP rs753209586, ClinGen allele CA16028658.

ClinVar aggregate classification (germline): Uncertain significance. Review status: criteria provided, multiple submitters, no conflicts (2 of 4 stars). 3 submissions from 3 submitters: Uncertain significance (3). Last evaluated 2023-12-01.

Conditions:
Classic or attenuated familial adenomatous polyposis. Identifiers: MedGen CN372698, MONDO:0021057.
Hereditary cancer-predisposing syndrome. Also called: Hereditary Cancer Syndrome; Hereditary neoplastic syndrome; Neoplastic Syndromes, Hereditary; Tumor predisposition. Identifiers: Orphanet 140162, MedGen C0027672, MeSH D009386, MONDO:0015356.
Familial adenomatous polyposis 1 (FAP1). Also called: FAMILIAL ADENOMATOUS POLYPOSIS 1, ATTENUATED; POLYPOSIS, ADENOMATOUS INTESTINAL. Identifiers: MedGen C2713442, MONDO:0021056, OMIM 175100. Disease mechanism: loss of function.

Submissions (3):

All of Us Research Program, National Institutes of Health
Classification: Uncertain significance for Classic or attenuated familial adenomatous polyposis. Last evaluated: 2023-12-01. Review status: criteria provided, single submitter. Criteria: ACMG Guidelines, 2015. Collection method: clinical testing. Allele origin: germline. Inheritance: Autosomal dominant inheritance. Observed: 2 variant alleles, 2 heterozygotes.
Comment: This study involves interpretation of variants in research participants for the purpose of population health screening. Participant phenotype was not available at the time of variant classification. Additional details can be found in publication PMID: 35346344, PMCID: PMC8962531

Labcorp Genetics (formerly Invitae), Labcorp
Classification: Uncertain significance for Familial adenomatous polyposis 1. Last evaluated: 2023-08-09. Review status: criteria provided, single submitter. Criteria: Invitae Variant Classification Sherloc (09022015). Collection method: clinical testing. Allele origin: germline.
Comment: This variant has not been reported in the literature in individuals affected with APC-related conditions. In summary, the available evidence is currently insufficient to determine the role of this variant in disease. Therefore, it has been classified as a Variant of Uncertain Significance. Advanced modeling of protein sequence and biophysical properties (such as structural, functional, and spatial information, amino acid conservation, physicochemical variation, residue mobility, and thermodynamic stability) performed at Invitae indicates that this missense variant is not expected to disrupt APC protein function. ClinVar contains an entry for this variant (Variation ID: 1692106). This variant is not present in population databases (gnomAD no frequency). This sequence change replaces arginine, which is basic and polar, with leucine, which is neutral and non-polar, at codon 1114 of the APC protein (p.Arg1114Leu).

Sema4
Classification: Uncertain significance for Hereditary cancer-predisposing syndrome. Last evaluated: 2021-09-11. Review status: criteria provided, single submitter. Criteria: Sema4 Curation Guidelines. Collection method: curation. Allele origin: germline.
Comment: To the best of our knowledge, the APC c.3341G>T (p.R1114L) variant has not been reported in individuals with APC-related disease. It was not observed in the large and broad cohorts of the Genome Aggregation Database (PMID: 32461654). This variant has not been reported in ClinVar. Functional studies have not been performed, and in silico predictions of the variant's effect on protein function are inconclusive. The evidence is insufficient to meet ACMG/AMP criteria for classifying the variant as benign or pathogenic. Thus, the clinical significance of this variant is currently uncertain.